The following is an entry in ClinVar:

ClinVar aggregate classification (germline): Uncertain significance (1 of 4 stars; one submission).

Submission:

Labcorp Genetics (formerly Invitae), Labcorp
Classification: Uncertain significance. Last evaluated: 2024-01-02. Review status: criteria provided, single submitter. Criteria: Invitae Variant Classification Sherloc (09022015). Collection method: clinical testing. Allele origin: germline.
Comment: This sequence change replaces alanine, which is neutral and non-polar, with lysine, which is basic and polar, at codon 419 of the RTTN protein (p.Ala419Lys). Information on the frequency of this variant in the gnomAD database is not available, as this variant may be reported differently in the database. This variant has not been reported in the literature in individuals affected with RTTN-related conditions. An algorithm developed to predict the effect of missense changes on protein structure and function (PolyPhen-2) suggests that this variant is likely to be disruptive. In summary, the available evidence is currently insufficient to determine the role of this variant in disease. Therefore, it has been classified as a Variant of Uncertain Significance.

NM_173630.4(RTTN):c.1255_1256delinsAA (p.Ala419Lys)

Gene: RTTN (rotatin; minus strand). Cytogenetic location: 18q22.2.
Variant type: Indel.
Coding change: c.1255_1256delinsAA on transcript NM_173630.4 (MANE Select); coding-DNA positions 1255 to 1256, GC replaced by AA.
Protein change: p.Ala419Lys; replaces alanine 419 with lysine.
Molecular consequence: missense variant. On other transcripts: 5 prime UTR variant (1).
Genome position (GRCh38, 1-based): chr18:70,188,157-70,188,158, GC replaced by TT on the plus strand (GC replaced by AA on the coding strand, the reverse complement: RTTN is on the minus strand). VCF-style: chr18-70188157-GC-TT. GRCh37 (hg19) VCF-style: chr18-67855393-GC-TT.
Other names: c.-1299_-1298delinsAA (NM_001318520.2); short protein forms A419K.
Identifiers: ClinVar variation 2782299 (VCV002782299.3), dbSNP rs2512971818, ClinGen allele CA2739276323.